The following is an entry in ClinVar:

NM_030787.4(CFHR5):c.206G>A (p.Arg69His)

Gene: CFHR5 (complement factor H related 5; plus strand). Cytogenetic location: 1q31.3.
Variant type: single nucleotide variant.
Coding change: c.206G>A on transcript NM_030787.4 (MANE Select); coding-DNA position 206, G replaced by A.
Protein change: p.Arg69His; replaces arginine 69 with histidine.
Molecular consequence: missense variant.
Genome position (GRCh38, 1-based): chr1:196,983,032, G>A. VCF-style: chr1-196983032-G-A. GRCh37 (hg19) VCF-style: chr1-196952162-G-A.
Other names: short protein forms R69H.
Identifiers: ClinVar variation 1163772 (VCV001163772.12), dbSNP rs375843181, ClinGen allele CA1307650.

ClinVar aggregate classification (germline): Conflicting classifications of pathogenicity. Review status: criteria provided, conflicting classifications (1 of 4 stars). 7 submissions from 7 submitters: Uncertain significance (4); Likely benign (1). 2 of the submissions do not count toward it. Last evaluated 2024-09-01.

Conditions:
Inborn genetic diseases. Identifiers: MedGen C0950123, MeSH D030342.
CFHR5 deficiency. Identifiers: MedGen C3553720.
C3 glomerulonephritis. Also called: C3 GLOMERULOPATHY 3; Nephropathy due to CFHR5 Deficiency. Identifiers: Orphanet 329931, MedGen C4055342, MONDO:0013892, OMIM 614809.

Allele frequency attached by ClinVar (database versions not stated): ESP Exome Variant Server 0.00008.
gnomAD v4.1: 64 of 1,613,976 alleles (0.004%); highest among the groups gnomAD compares: African/African-American, 0.041%; no homozygotes.

Submissions (7):

Labcorp Genetics (formerly Invitae), Labcorp
Classification: Uncertain significance. Last evaluated: 2024-09-01. Review status: criteria provided, single submitter. Criteria: Invitae Variant Classification Sherloc (09022015). Collection method: clinical testing. Allele origin: germline.
Comment: This sequence change replaces arginine, which is basic and polar, with histidine, which is basic and polar, at codon 69 of the CFHR5 protein (p.Arg69His). This variant is present in population databases (rs375843181, gnomAD 0.05%), and has an allele count higher than expected for a pathogenic variant. This variant has not been reported in the literature in individuals affected with CFHR5-related conditions. ClinVar contains an entry for this variant (Variation ID: 1163772). Invitae Evidence Modeling of protein sequence and biophysical properties (such as structural, functional, and spatial information, amino acid conservation, physicochemical variation, residue mobility, and thermodynamic stability) indicates that this missense variant is not expected to disrupt CFHR5 protein function with a negative predictive value of 80%. In summary, the available evidence is currently insufficient to determine the role of this variant in disease. Therefore, it has been classified as a Variant of Uncertain Significance.

Fulgent Genetics
Classification: Likely benign for C3 glomerulonephritis. Last evaluated: 2024-03-12. Review status: criteria provided, single submitter. Criteria: ACMG Guidelines, 2015. Collection method: clinical testing. Allele origin: germline.

Genome-Nilou Lab
Classification: Uncertain significance for C3 glomerulonephritis. Last evaluated: 2023-04-11. Review status: criteria provided, single submitter. Criteria: ACMG Guidelines, 2015. Collection method: clinical testing. Allele origin: germline. Affected: no.

Ambry Genetics
Classification: Uncertain significance for Inborn genetic diseases. Last evaluated: 2021-12-07. Review status: criteria provided, single submitter. Criteria: Ambry Variant Classification Scheme 2023. Collection method: clinical testing. Allele origin: germline.

Mayo Clinic Laboratories, Mayo Clinic
Classification: Uncertain significance. Last evaluated: 2019-08-26. Review status: criteria provided, single submitter. Criteria: ACMG Guidelines, 2015. Collection method: clinical testing. Allele origin: germline. Observed: 1 variant allele.

Clinical Genetics DNA and cytogenetics Diagnostics Lab, Erasmus MC, Erasmus Medical Center
Classification: Likely benign. Review status: no assertion criteria provided. Collection method: clinical testing. Allele origin: germline. Affected: yes. Study: VKGL Data-share Consensus. Not counted in ClinVar's aggregate classification.

Laboratory of Diagnostic Genome Analysis, Leiden University Medical Center (LUMC)
Classification: Likely benign. Review status: no assertion criteria provided. Collection method: clinical testing. Allele origin: germline. Affected: yes. Study: VKGL Data-share Consensus. Not counted in ClinVar's aggregate classification.